The following is an entry in ClinVar:

ClinVar aggregate classification (germline): Uncertain significance (1 of 4 stars; one submission).

Submission:

Dasa
Classification: Uncertain significance. Last evaluated: 2025-12-12. Review status: criteria provided, single submitter. Criteria: DASA Assertion Criteria. Collection method: clinical testing. Allele origin: germline.
Comment: NM_002755.4(MAP2K1):c.439-296C>T is an intronic variant. This variant is rare in population databases. The currently available literature and clinical evidence are not sufficient to establish a definitive association between this variant and the reported condition. Therefore, this variant is classified as a variant of uncertain significance.

NM_002755.4(MAP2K1):c.439-296C>T

Gene: MAP2K1 (mitogen-activated protein kinase kinase 1; plus strand). Cytogenetic location: 15q22.31.
Variant type: single nucleotide variant.
Coding change: c.439-296C>T on transcript NM_002755.4 (MANE Select); 296 bases into the intron before coding-DNA position 439, C replaced by T.
Molecular consequence: intron variant.
Genome position (GRCh38, 1-based): chr15:66,442,984, C>T. VCF-style: chr15-66442984-C-T. GRCh37 (hg19) VCF-style: chr15-66735322-C-T.
Other names: c.373-1672C>T (NM_001411065.1).
Identifiers: ClinVar variation 4885896 (VCV004885896.2).